The following is an entry in ClinVar:

ClinVar aggregate classification (germline): Uncertain significance (1 of 4 stars; one submission).

Allele frequency attached by ClinVar (database versions not stated): gnomAD exomes 0.00001; TOPMed 0.00001; gnomAD 0.00002.
gnomAD v4.1: 8 of 1,613,950 alleles (0.0005%); highest among the groups gnomAD compares: Non-Finnish European, 0.00068%; no homozygotes.

Submission:

Labcorp Genetics (formerly Invitae), Labcorp
Classification: Uncertain significance. Last evaluated: 2022-06-14. Review status: criteria provided, single submitter. Criteria: Invitae Variant Classification Sherloc (09022015). Collection method: clinical testing. Allele origin: germline.
Comment: In summary, the available evidence is currently insufficient to determine the role of this variant in disease. Therefore, it has been classified as a Variant of Uncertain Significance. Variants that disrupt the consensus splice site are a relatively common cause of aberrant splicing (PMID: 17576681, 9536098). Algorithms developed to predict the effect of sequence changes on RNA splicing suggest that this variant is not likely to affect RNA splicing. This variant has not been reported in the literature in individuals affected with MYO5B-related conditions. This variant is present in population databases (no rsID available, gnomAD 0.007%). This sequence change falls in intron 33 of the MYO5B gene. It does not directly change the encoded amino acid sequence of the MYO5B protein. It affects a nucleotide within the consensus splice site.

Literature cited by the submitters: PubMed 17576681; PubMed 9536098.

NM_001080467.3(MYO5B):c.4459+5G>A

Genes: MYO5B (myosin VB; minus strand), SNHG22 (small nucleolar RNA host gene 22; plus strand). Cytogenetic location: 18q21.1.
Variant type: single nucleotide variant.
Coding change: c.4459+5G>A on transcript NM_001080467.3 (MANE Select); 5 bases into the intron after coding-DNA position 4459, G replaced by A.
Molecular consequence: intron variant.
Genome position (GRCh38, 1-based): chr18:49,847,141, C>T on the plus strand (G>A on the coding strand, the complement: MYO5B is on the minus strand). VCF-style: chr18-49847141-C-T. GRCh37 (hg19) VCF-style: chr18-47373511-C-T.
Identifiers: ClinVar variation 1951044 (VCV001951044.5), dbSNP rs1330759935, ClinGen allele CA629559154.